The following is an entry in ClinVar:

ClinVar aggregate classification (germline): Pathogenic (1 of 4 stars; one submission).

Conditions:
Hereditary breast ovarian cancer syndrome. Also called: Hereditary breast and ovarian cancer syndrome; Hereditary breast and/or ovarian cancer syndrome; Hereditary breast and ovarian cancer syndrome (HBOC); Breast and ovarian cancer; BRCA1- and BRCA2-Associated Hereditary Breast and Ovarian Cancer; Hereditary breast and ovarian cancer. Identifiers: Orphanet 145, MedGen C0677776, MeSH D061325, MONDO:0003582. Disease mechanism: loss of function.

Submission:

Labcorp Genetics (formerly Invitae), Labcorp
Classification: Pathogenic for Hereditary breast ovarian cancer syndrome. Last evaluated: 2023-07-28. Review status: criteria provided, single submitter. Criteria: Invitae Variant Classification Sherloc (09022015). Collection method: clinical testing. Allele origin: germline.
Comment: This variant is a gross deletion of the genomic region encompassing exon(s) 15 of the BRCA2 gene. This deletion is out-of-frame, and is expected to create a premature termination codon and result in an absent or disrupted protein product. Loss-of-function variants in BRCA2 are known to be pathogenic (PMID: 20104584). This variant has not been reported in the literature in individuals affected with BRCA2-related conditions. For these reasons, this variant has been classified as Pathogenic.

Literature cited by the submitters: PubMed 20104584.

NC_000013.11:g.(?_32356408)_(32356629_?)del

Gene: BRCA2 (BRCA2 DNA repair associated; plus strand). Cytogenetic location: 13q13.1.
Variant type: Deletion.
Identifiers: ClinVar variation 583537 (VCV000583537.10).